The following is an entry in ClinVar:

ClinVar aggregate classification (germline): Uncertain significance (1 of 4 stars; one submission).

Allele frequency attached by ClinVar (database versions not stated): TOPMed 0.00001.
gnomAD v4.1: 2 of 1,613,874 alleles (0.00012%); highest among the groups gnomAD compares: South Asian, 0.0011%; no homozygotes.

Submission:

Labcorp Genetics (formerly Invitae), Labcorp
Classification: Uncertain significance. Last evaluated: 2020-11-20. Review status: criteria provided, single submitter. Criteria: Invitae Variant Classification Sherloc (09022015). Collection method: clinical testing. Allele origin: germline.
Comment: This variant has not been reported in the literature in individuals with CAMK2B-related conditions. In summary, the available evidence is currently insufficient to determine the role of this variant in disease. Therefore, it has been classified as a Variant of Uncertain Significance. Algorithms developed to predict the effect of missense changes on protein structure and function (SIFT, PolyPhen-2, Align-GVGD) all suggest that this variant is likely to be disruptive, but these predictions have not been confirmed by published functional studies and their clinical significance is uncertain. This variant is not present in population databases (ExAC no frequency). This sequence change replaces alanine with serine at codon 266 of the CAMK2B protein (p.Ala266Ser). The alanine residue is highly conserved and there is a moderate physicochemical difference between alanine and serine.

NM_001220.5(CAMK2B):c.796G>T (p.Ala266Ser)

Gene: CAMK2B (calcium/calmodulin dependent protein kinase II beta; minus strand). Cytogenetic location: 7p13.
Variant type: single nucleotide variant.
Coding change: c.796G>T on transcript NM_001220.5 (MANE Select); coding-DNA position 796, G replaced by T.
Protein change: p.Ala266Ser; replaces alanine 266 with serine.
Molecular consequence: missense variant.
Genome position (GRCh38, 1-based): chr7:44,242,241, C>A on the plus strand (G>T on the coding strand, the complement: CAMK2B is on the minus strand). VCF-style: chr7-44242241-C-A. GRCh37 (hg19) VCF-style: chr7-44281840-C-A.
Other names: c.796G>T, p.Ala266Ser (NM_001293170.2, NM_172078.3, NM_172079.3 and 5 more transcripts); short protein forms A266S.
Identifiers: ClinVar variation 1349567 (VCV001349567.8), dbSNP rs767719361, ClinGen allele CA367363749.
Genomic context (GRCh38, chr7:44,242,241, plus strand): 5'-AGCCCCCTCCCCACCATGGGCACCAAGGGCGACTCACGCAGACCCACGGGTGCTTCAGGG[C>A]CTCATGGGCTGTGATGCGCTTGGCAGGGTTGATGGTCAGCATCTGGTTGATGAGGTTTTT-3'
Protein context (NP_001211.3, residues 256-276): NPAKRITAHE[Ala266Ser]LKHPWVCQRS